The following is an entry in ClinVar:

NM_002303.6(LEPR):c.1825G>A (p.Val609Ile)

Gene: LEPR (leptin receptor; plus strand). Cytogenetic location: 1p31.3.
Variant type: single nucleotide variant.
Coding change: c.1825G>A on transcript NM_002303.6 (MANE Select); coding-DNA position 1825, G replaced by A.
Protein change: p.Val609Ile; replaces valine 609 with isoleucine.
Molecular consequence: missense variant.
Genome position (GRCh38, 1-based): chr1:65,610,019, G>A. VCF-style: chr1-65610019-G-A. GRCh37 (hg19) VCF-style: chr1-66075702-G-A.
Other names: c.1825G>A, p.Val609Ile (NM_001003679.3, NM_001003680.3, NM_001198687.2 and 2 more transcripts); short protein forms V609I.
Identifiers: ClinVar variation 2637012 (VCV002637012.2), dbSNP rs1257786005, ClinGen allele CA340674174.
Genomic context (GRCh38, chr1:65,610,019, plus strand): 5'-TATGATGCAAAATCAAAATCTGTCAGTCTCCCAGTTCCAGACTTGTGTGCAGTCTATGCT[G>A]TTCAGGTGCGCTGTAAGAGGCTAGATGGACTGGGATATTGGAGTAATTGGAGCAATCCAG-3'
Protein context (NP_002294.2, residues 599-619): PVPDLCAVYA[Val609Ile]QVRCKRLDGL

ClinVar aggregate classification (germline): Uncertain significance (1 of 4 stars; one submission).

Conditions:
LEPR-related disorder. Also called: LEPR-related condition; LEPR-related disorders.

Allele frequency attached by ClinVar (database versions not stated): TOPMed 0.00001.
gnomAD v4.1: 8 of 1,614,100 alleles (0.0005%); highest among the groups gnomAD compares: Admixed American, 0.0083%; no homozygotes.

Submission:

PreventionGenetics, part of Exact Sciences
Classification: Uncertain significance for LEPR-related condition. Last evaluated: 2025-09-08. Review status: criteria provided, single submitter. Criteria: ACMG Guidelines, 2015. Collection method: clinical testing. Allele origin: germline.
Comment: The LEPR c.1825G>A variant is predicted to result in the amino acid substitution p.Val609Ile. To our knowledge, this variant has not been reported in the literature. This variant is reported in 0.014% of alleles in individuals of Latino descent in gnomAD. At this time, the clinical significance of this variant is uncertain due to the absence of conclusive functional and genetic evidence.